The following is an entry in ClinVar:

ClinVar aggregate classification (germline): Uncertain significance (1 of 4 stars; one submission).

Conditions:
Familial thoracic aortic aneurysm and aortic dissection (TAAD). Also called: Thoracic aortic aneurysms and dissections. Identifiers: Orphanet 91387, MedGen C4707243, MONDO:0019625.

Allele frequency attached by ClinVar (database versions not stated): gnomAD exomes below 0.00001; ExAC 0.00001.
gnomAD v4.1: 2 of 1,614,200 alleles (0.00012%); highest among the groups gnomAD compares: Non-Finnish European, 0.00017%; no homozygotes.

Submission:

Color Diagnostics, LLC DBA Color Health
Classification: Uncertain significance for Familial thoracic aortic aneurysm and aortic dissection. Last evaluated: 2023-12-04. Review status: criteria provided, single submitter. Criteria: ACMG Guidelines, 2015. Collection method: clinical testing. Allele origin: germline.
Comment: Variant of Uncertain Significance due to insufficient evidence: This missense variant is located in the calcium-binding EGF-like motif 5 of the FBN1 protein. Computational prediction tools and conservation analyses are inconclusive regarding the impact of this variant on the protein function. Computational splicing tools suggest that this variant may not impact RNA splicing. To our knowledge, functional assays have not been performed for this variant nor has this variant been reported in individuals affected with cardiovascular disorders in the literature. This variant has been identified in 1/246188 chromosomes in the general population by the Genome Aggregation Database (gnomAD). Available evidence is insufficient to determine the pathogenicity of this variant conclusively.

NM_000138.5(FBN1):c.976A>G (p.Thr326Ala)

Gene: FBN1 (fibrillin 1; minus strand). Cytogenetic location: 15q21.1.
Variant type: single nucleotide variant.
Coding change: c.976A>G on transcript NM_000138.5 (MANE Select); coding-DNA position 976, A replaced by G.
Protein change: p.Thr326Ala; replaces threonine 326 with alanine.
Molecular consequence: missense variant.
Genome position (GRCh38, 1-based): chr15:48,526,142, T>C on the plus strand (A>G on the coding strand, the complement: FBN1 is on the minus strand). VCF-style: chr15-48526142-T-C. GRCh37 (hg19) VCF-style: chr15-48818339-T-C.
Other names: short protein forms T326A.
Identifiers: ClinVar variation 927728 (VCV000927728.5), dbSNP rs760637902, ClinGen allele CA060458.
Genomic context (GRCh38, chr15:48,526,142, plus strand): 5'-TGGAACTGACTTACACAAACCATGCATGCTGTTTGTCATTAAACCTACCTATGCATCTGG[T>C]ACCATCTGGAGAGGTGTAAAAACCAGGGGGACATTTGCAAAAGTAACTGCTGACTGTGTT-3'
Protein context (NP_000129.3, residues 316-336): PPGFYTSPDG[Thr326Ala]RCIDVRPGYC